The following is an entry in ClinVar:

NM_025137.4(SPG11):c.3433A>G (p.Thr1145Ala)

Gene: SPG11 (SPG11 vesicle trafficking associated, spatacsin; minus strand). Cytogenetic location: 15q21.1.
Variant type: single nucleotide variant.
Coding change: c.3433A>G on transcript NM_025137.4 (MANE Select); coding-DNA position 3433, A replaced by G.
Protein change: p.Thr1145Ala; replaces threonine 1145 with alanine.
Molecular consequence: missense variant.
Genome position (GRCh38, 1-based): chr15:44,608,464, T>C on the plus strand (A>G on the coding strand, the complement: SPG11 is on the minus strand). VCF-style: chr15-44608464-T-C. GRCh37 (hg19) VCF-style: chr15-44900662-T-C.
Other names: c.3433A>G, p.Thr1145Ala (NM_001160227.2); short protein forms T1145A.
Identifiers: ClinVar variation 639723 (VCV000639723.6), dbSNP rs755490045, ClinGen allele CA7534985.

ClinVar aggregate classification (germline): Uncertain significance (1 of 4 stars; one submission).

Conditions:
Hereditary spastic paraplegia 11. Also called: Nakamura Osame syndrome; Autosomal recessive hereditary spastic paraplegia, mental impairment, and thin corpus callosum; SPASTIC PARAPLEGIA, AUTOSOMAL RECESSIVE, COMPLICATED, WITH THIN CORPUS CALLOSUM; SPASTIC PARAPLEGIA, AUTOSOMAL RECESSIVE, WITH MENTAL IMPAIRMENT AND THIN CORPUS CALLOSUM; Spastic Paraplegia 11; Spastic paraplegia, mental retardation and thin corpus callosum. Identifiers: Orphanet 2822, MedGen C1858479, MONDO:0011445, OMIM 604360.

Allele frequency attached by ClinVar (database versions not stated): gnomAD exomes below 0.00001; TOPMed below 0.00001; ExAC 0.00001.
gnomAD v4.1: 1 of 1,614,172 alleles (0.000062%); highest among the groups gnomAD compares: Non-Finnish European, 0.000085%; no homozygotes.

Submission:

Labcorp Genetics (formerly Invitae), Labcorp
Classification: Uncertain significance for Hereditary spastic paraplegia 11. Last evaluated: 2022-08-09. Review status: criteria provided, single submitter. Criteria: Invitae Variant Classification Sherloc (09022015). Collection method: clinical testing. Allele origin: germline.
Comment: This sequence change replaces threonine, which is neutral and polar, with alanine, which is neutral and non-polar, at codon 1145 of the SPG11 protein (p.Thr1145Ala). This variant is not present in population databases (gnomAD no frequency). This variant has not been reported in the literature in individuals affected with SPG11-related conditions. ClinVar contains an entry for this variant (Variation ID: 639723). Algorithms developed to predict the effect of missense changes on protein structure and function are either unavailable or do not agree on the potential impact of this missense change (SIFT: "Tolerated"; PolyPhen-2: "Possibly Damaging"; Align-GVGD: "Class C0"). In summary, the available evidence is currently insufficient to determine the role of this variant in disease. Therefore, it has been classified as a Variant of Uncertain Significance.